The following is an entry in ClinVar:

NM_001063.4(TF):c.177GAA[1] (p.Lys61del)

Gene: TF (transferrin; plus strand). Cytogenetic location: 3q22.1.
Variant type: Microsatellite.
Coding change: c.177GAA[1] on transcript NM_001063.4 (MANE Select); one copy of the 3-base unit GAA starting at c.177; the reference has two copies in a row; one copy, 3 bases deleted.
Protein change: p.Lys61del; deletes lysine 61.
Molecular consequence: inframe deletion. On other transcripts: intron variant (1).
Genome position (GRCh38, 1-based): chr3:133,748,548-133,748,550, GAA deleted; deleting any 3 consecutive bases within chr3:133,748,545-133,748,550 gives the same sequence; the position shown is the placement nearest the transcript's 3' end. VCF-style (leftmost placement, unchanged base first): chr3-133748544-TGAA-T. GRCh37 (hg19) VCF-style: chr3-133467388-TGAA-T.
Other names: c.45GAA[1], p.Lys17del (NM_001354703.2); c.-166+2065_-166+2067del (NM_001354704.2); short protein forms K17del, K61del.
Identifiers: ClinVar variation 5004347 (VCV005004347.1).

ClinVar aggregate classification (germline): Uncertain significance (1 of 4 stars; one submission).

Conditions:
Atransferrinemia. Also called: Familial hypotransferrinemia. Identifiers: Orphanet 1195, MedGen C0521802, MONDO:0008846, OMIM 209300, HP:0012239.

Submission:

Myriad Genetics, Inc.
Classification: Uncertain significance for Atransferrinemia. Last evaluated: 2025-12-29. Review status: criteria provided, single submitter. Criteria: Myriad Autosomal Dominant, Autosomal Recessive and X-Linked Classification Criteria (2023). Collection method: clinical testing. Allele origin: unknown.
Comment: NM_001063.3(TF):c.180_182delGAA(K61del) is an in-frame deletion classified as a variant of uncertain significance in the context of atransferrinemia. K61del has not been observed in cases with relevant disease. Relevant functional assessments of this variant are not available in the literature. K61del has not been observed in referenced population frequency databases. In summary, there is insufficient evidence to classify NM_001063.3(TF):c.180_182delGAA(K61del) as pathogenic or benign. Please note: this variant was assessed in the context of healthy population screening.